The following is an entry in ClinVar:

ClinVar aggregate classification (germline): Uncertain significance (1 of 4 stars; one submission).

Submission:

GeneDx
Classification: Uncertain significance. Last evaluated: 2024-03-04. Review status: criteria provided, single submitter. Criteria: GeneDx Variant Classification Process June 2021. Collection method: clinical testing. Allele origin: germline. Affected: yes.
Comment: Has not been previously published as pathogenic or benign to our knowledge; In silico analysis supports that this missense variant does not alter protein structure/function

NM_152268.4(PARS2):c.112C>T (p.Arg38Trp)

Gene: PARS2 (prolyl-tRNA synthetase 2, mitochondrial; minus strand). Cytogenetic location: 1p32.3.
Variant type: single nucleotide variant.
Coding change: c.112C>T on transcript NM_152268.4 (MANE Select); coding-DNA position 112, C replaced by T.
Protein change: p.Arg38Trp; replaces arginine 38 with tryptophan.
Molecular consequence: missense variant.
Genome position (GRCh38, 1-based): chr1:54,759,050, G>A on the plus strand (C>T on the coding strand, the complement: PARS2 is on the minus strand). VCF-style: chr1-54759050-G-A. GRCh37 (hg19) VCF-style: chr1-55224723-G-A.
Other names: short protein forms R38W.
Identifiers: ClinVar variation 3340199 (VCV003340199.1).
Genomic context (GRCh38, chr1:54,759,050, plus strand): 5'-AGAGCACCCGGTCTTCCCGAAGGTTCTGTGGCTGGAACACACGAGACAGCAGCAGGCGCC[G>A]CCCTCTTCTTGGGGCACAGTGGTGAAACCTGCAAGGAACATACCCAGAGAGCTGGCGGCT-3'
Protein context (NP_689481.2, residues 28-48): RFHHCAPRRG[Arg38Trp]RLLLSRVFQP